The following is an entry in ClinVar:

ClinVar aggregate classification (germline): Uncertain significance (1 of 4 stars; one submission).

Allele frequency attached by ClinVar (database versions not stated): TOPMed 0.00001; ExAC 0.00002.
gnomAD v4.1: 7 of 1,607,910 alleles (0.00044%); highest among the groups gnomAD compares: East Asian, 0.011%; no homozygotes.

Submission:

Labcorp Genetics (formerly Invitae), Labcorp
Classification: Uncertain significance. Last evaluated: 2022-10-01. Review status: criteria provided, single submitter. Criteria: Invitae Variant Classification Sherloc (09022015). Collection method: clinical testing. Allele origin: germline.
Comment: This sequence change replaces serine, which is neutral and polar, with tyrosine, which is neutral and polar, at codon 1784 of the TUBGCP6 protein (p.Ser1784Tyr). This variant is present in population databases (rs770417171, gnomAD 0.03%). This variant has not been reported in the literature in individuals affected with TUBGCP6-related conditions. Algorithms developed to predict the effect of missense changes on protein structure and function are either unavailable or do not agree on the potential impact of this missense change (SIFT: "Tolerated"; PolyPhen-2: "Probably Damaging"; Align-GVGD: "Class C0"). In summary, the available evidence is currently insufficient to determine the role of this variant in disease. Therefore, it has been classified as a Variant of Uncertain Significance.

NM_020461.4(TUBGCP6):c.5351C>A (p.Ser1784Tyr)

Gene: TUBGCP6 (tubulin gamma complex component 6; minus strand). Cytogenetic location: 22q13.33.
Variant type: single nucleotide variant.
Coding change: c.5351C>A on transcript NM_020461.4 (MANE Select); coding-DNA position 5351, C replaced by A.
Protein change: p.Ser1784Tyr; replaces serine 1784 with tyrosine.
Molecular consequence: missense variant.
Genome position (GRCh38, 1-based): chr22:50,217,935, G>T on the plus strand (C>A on the coding strand, the complement: TUBGCP6 is on the minus strand). VCF-style: chr22-50217935-G-T. GRCh37 (hg19) VCF-style: chr22-50656364-G-T.
Other names: short protein forms S1784Y.
Identifiers: ClinVar variation 2048585 (VCV002048585.1), dbSNP rs770417171, ClinGen allele CA10307066.